The following is an entry in ClinVar:

ClinVar aggregate classification (germline): Uncertain significance. Review status: criteria provided, multiple submitters, no conflicts (2 of 4 stars). 2 submissions from 2 submitters: Uncertain significance (2). Last evaluated 2024-12-08.

Conditions:
Familial adenomatous polyposis 1 (FAP1). Also called: FAMILIAL ADENOMATOUS POLYPOSIS 1, ATTENUATED; POLYPOSIS, ADENOMATOUS INTESTINAL. Identifiers: MedGen C2713442, MONDO:0021056, OMIM 175100. Disease mechanism: loss of function.
Hereditary cancer-predisposing syndrome. Also called: Neoplastic Syndromes, Hereditary; Tumor predisposition; Hereditary neoplastic syndrome; Hereditary Cancer Syndrome. Identifiers: Orphanet 140162, MedGen C0027672, MeSH D009386, MONDO:0015356.

Submissions (2):

Ambry Genetics
Classification: Uncertain significance for Hereditary cancer-predisposing syndrome. Last evaluated: 2024-12-08. Review status: criteria provided, single submitter. Criteria: Ambry Variant Classification Scheme 2023. Collection method: clinical testing. Allele origin: germline.
Comment: The p.L148R variant (also known as c.443T>G), located in coding exon 4 of the APC gene, results from a T to G substitution at nucleotide position 443. The leucine at codon 148 is replaced by arginine, an amino acid with dissimilar properties. This amino acid position is conserved. In addition, in silico predictors for this gene do not accurately predict pathogenicity. Based on the available evidence, the clinical significance of this variant remains unclear.

Labcorp Genetics (formerly Invitae), Labcorp
Classification: Uncertain significance for Familial adenomatous polyposis 1. Last evaluated: 2022-08-16. Review status: criteria provided, single submitter. Criteria: Invitae Variant Classification Sherloc (09022015). Collection method: clinical testing. Allele origin: germline.
Comment: In summary, the available evidence is currently insufficient to determine the role of this variant in disease. Therefore, it has been classified as a Variant of Uncertain Significance. Algorithms developed to predict the effect of missense changes on protein structure and function are either unavailable or do not agree on the potential impact of this missense change (SIFT: "Deleterious"; PolyPhen-2: "Probably Damaging"; Align-GVGD: "Class C0"). ClinVar contains an entry for this variant (Variation ID: 662358). This variant has not been reported in the literature in individuals affected with APC-related conditions. This variant is not present in population databases (gnomAD no frequency). This sequence change replaces leucine, which is neutral and non-polar, with arginine, which is basic and polar, at codon 148 of the APC protein (p.Leu148Arg).

NM_000038.6(APC):c.443T>G (p.Leu148Arg)

Gene: APC (APC regulator of Wnt signaling pathway; plus strand). Cytogenetic location: 5q22.2.
Variant type: single nucleotide variant.
Coding change: c.443T>G on transcript NM_000038.6 (MANE Select); coding-DNA position 443, T replaced by G.
Protein change: p.Leu148Arg; replaces leucine 148 with arginine.
Molecular consequence: missense variant. On other transcripts: 5 prime UTR variant (1).
Genome position (GRCh38, 1-based): chr5:112,775,649, T>G. VCF-style: chr5-112775649-T-G. GRCh37 (hg19) VCF-style: chr5-112111346-T-G.
Other names: c.443T>G, p.Leu148Arg (NM_001127510.3, NM_001354895.2, NM_001354896.2 and 2 more transcripts); c.473T>G, p.Leu158Arg (NM_001127511.3, NM_001354897.2, NM_001354902.2); c.368T>G, p.Leu123Arg (NM_001354898.2, NM_001354904.2); c.266T>G, p.Leu89Arg (NM_001354900.2, NM_001354901.2, NM_001354905.2); c.-593T>G (NM_001354906.2); short protein forms L148R, L89R, L123R, L158R.
Identifiers: ClinVar variation 662358 (VCV000662358.11), dbSNP rs762062860, ClinGen allele CA16022288.